The following is an entry in ClinVar:

NM_003803.4(MYOM1):c.2759G>C (p.Ser920Thr)

Gene: MYOM1 (myomesin 1; minus strand). Cytogenetic location: 18p11.31.
Variant type: single nucleotide variant.
Coding change: c.2759G>C on transcript NM_003803.4 (MANE Select); coding-DNA position 2759, G replaced by C.
Protein change: p.Ser920Thr; replaces serine 920 with threonine.
Molecular consequence: missense variant. On other transcripts: intron variant (1).
Genome position (GRCh38, 1-based): chr18:3,129,267, C>G on the plus strand (G>C on the coding strand, the complement: MYOM1 is on the minus strand). VCF-style: chr18-3129267-C-G. GRCh37 (hg19) VCF-style: chr18-3129265-C-G.
Other names: c.2506+2108G>C (NM_019856.2); short protein forms S920T.
Identifiers: ClinVar variation 1010429 (VCV001010429.8), dbSNP rs2079839250, ClinGen allele CA401709594.

ClinVar aggregate classification (germline): Uncertain significance (1 of 4 stars; one submission).

Conditions:
Hypertrophic cardiomyopathy. Also called: HYPERTROPHIC MYOCARDIOPATHY. Identifiers: Orphanet 217569, MedGen C0007194, MeSH D002312, MONDO:0005045, HP:0001639.

Submission:

Labcorp Genetics (formerly Invitae), Labcorp
Classification: Uncertain significance for Hypertrophic cardiomyopathy. Last evaluated: 2020-10-01. Review status: criteria provided, single submitter. Criteria: Invitae Variant Classification Sherloc (09022015). Collection method: clinical testing. Allele origin: germline.
Comment: This sequence change replaces serine with threonine at codon 920 of the MYOM1 protein (p.Ser920Thr). The serine residue is weakly conserved and there is a small physicochemical difference between serine and threonine. This variant is not present in population databases (ExAC no frequency). This variant has not been reported in the literature in individuals with MYOM1-related conditions. Algorithms developed to predict the effect of missense changes on protein structure and function (SIFT, PolyPhen-2, Align-GVGD) all suggest that this variant is likely to be tolerated, but these predictions have not been confirmed by published functional studies and their clinical significance is uncertain. In summary, the available evidence is currently insufficient to determine the role of this variant in disease. Therefore, it has been classified as a Variant of Uncertain Significance.